The following is an entry in ClinVar:

NM_001384474.1(LOXHD1):c.5003G>A (p.Arg1668Gln)

Gene: LOXHD1 (lipoxygenase homology PLAT domains 1; minus strand). Cytogenetic location: 18q21.1.
Variant type: single nucleotide variant.
Coding change: c.5003G>A on transcript NM_001384474.1 (MANE Select); coding-DNA position 5003, G replaced by A.
Protein change: p.Arg1668Gln; replaces arginine 1668 with glutamine.
Molecular consequence: missense variant.
Genome position (GRCh38, 1-based): chr18:46,522,183, C>T on the plus strand (G>A on the coding strand, the complement: LOXHD1 is on the minus strand). VCF-style: chr18-46522183-C-T. GRCh37 (hg19) VCF-style: chr18-44102146-C-T.
Other names: c.1670G>A, p.Arg557Gln (NM_001145472.3); c.1382G>A, p.Arg461Gln (NM_001308013.2); c.5003G>A, p.Arg1668Gln (NM_144612.7); short protein forms R1668Q, R461Q, R557Q.
Identifiers: ClinVar variation 2689376 (VCV002689376.4), dbSNP rs572531886, ClinGen allele CA299800994.

ClinVar aggregate classification (germline): Uncertain significance. Review status: criteria provided, multiple submitters, no conflicts (2 of 4 stars). 3 submissions from 3 submitters: Uncertain significance (3). Last evaluated 2025-07-24.

Conditions:
Inborn genetic diseases. Identifiers: MedGen C0950123, MeSH D030342.
Autosomal recessive nonsyndromic hearing loss 77. Identifiers: Orphanet 90636, MedGen C2746083, MONDO:0013119, OMIM 613079.

Allele frequency attached by ClinVar (database versions not stated): TOPMed 0.00003; gnomAD exomes 0.00005; gnomAD 0.00006; 1000 Genomes Project 0.00040; 1000 Genomes Project 30x 0.00047.
gnomAD v4.1: 85 of 1,551,722 alleles (0.0055%); highest among the groups gnomAD compares: South Asian, 0.024%; no homozygotes.

Submissions (3):

GeneDx
Classification: Uncertain significance. Last evaluated: 2025-07-24. Review status: criteria provided, single submitter. Criteria: GeneDx Variant Classification Process June 2021. Collection method: clinical testing. Allele origin: germline. Affected: yes.
Comment: In silico analysis suggests that this missense variant does not alter protein structure/function; Has not been previously published as pathogenic or benign to our knowledge

Ambry Genetics
Classification: Uncertain significance for Inborn genetic diseases. Last evaluated: 2025-04-25. Review status: criteria provided, single submitter. Criteria: Ambry Variant Classification Scheme 2023. Collection method: clinical testing. Allele origin: germline.

Revvity Omics, Revvity
Classification: Uncertain significance for Autosomal recessive nonsyndromic hearing loss 77. Last evaluated: 2023-11-02. Review status: criteria provided, single submitter. Criteria: ACMG Guidelines, 2015. Collection method: clinical testing. Allele origin: germline.